The following is an entry in ClinVar:

NM_017617.5(NOTCH1):c.1797C>A (p.His599Gln)

Gene: NOTCH1 (notch receptor 1; minus strand). Cytogenetic location: 9q34.3.
Variant type: single nucleotide variant.
Coding change: c.1797C>A on transcript NM_017617.5 (MANE Select); coding-DNA position 1797, C replaced by A.
Protein change: p.His599Gln; replaces histidine 599 with glutamine.
Molecular consequence: missense variant.
Genome position (GRCh38, 1-based): chr9:136,515,589, G>T on the plus strand (C>A on the coding strand, the complement: NOTCH1 is on the minus strand). VCF-style: chr9-136515589-G-T. GRCh37 (hg19) VCF-style: chr9-139410041-G-T.
Other names: c.1797C>A (NM_017617.3); short protein forms H599Q.
Identifiers: ClinVar variation 2727664 (VCV002727664.4), dbSNP rs1470946559, ClinGen allele CA375559851.

ClinVar aggregate classification (germline): Uncertain significance. Review status: criteria provided, multiple submitters, no conflicts (2 of 4 stars). 2 submissions from 2 submitters: Uncertain significance (2). Last evaluated 2025-12-08.

Conditions:
Familial thoracic aortic aneurysm and aortic dissection (TAAD). Also called: Thoracic aortic aneurysms and dissections. Identifiers: Orphanet 91387, MedGen C4707243, MONDO:0019625.
Adams-Oliver syndrome 5 (AOS5). Identifiers: Orphanet 974, MedGen C4014970, MONDO:0014459, OMIM 616028.

Submissions (2):

Ambry Genetics
Classification: Uncertain significance for Familial thoracic aortic aneurysm and aortic dissection. Last evaluated: 2025-12-08. Review status: criteria provided, single submitter. Criteria: Ambry Variant Classification Scheme 2023. Collection method: clinical testing. Allele origin: germline.

Labcorp Genetics (formerly Invitae), Labcorp
Classification: Uncertain significance for Adams-Oliver syndrome 5. Last evaluated: 2023-09-08. Review status: criteria provided, single submitter. Criteria: Invitae Variant Classification Sherloc (09022015). Collection method: clinical testing. Allele origin: germline.
Comment: In summary, the available evidence is currently insufficient to determine the role of this variant in disease. Therefore, it has been classified as a Variant of Uncertain Significance. Advanced modeling of protein sequence and biophysical properties (such as structural, functional, and spatial information, amino acid conservation, physicochemical variation, residue mobility, and thermodynamic stability) performed at Invitae indicates that this missense variant is not expected to disrupt NOTCH1 protein function. This variant has not been reported in the literature in individuals affected with NOTCH1-related conditions. This variant is present in population databases (no rsID available, gnomAD 0.01%). This sequence change replaces histidine, which is basic and polar, with glutamine, which is neutral and polar, at codon 599 of the NOTCH1 protein (p.His599Gln).